The following is an entry in ClinVar:

ClinVar aggregate classification (germline): Uncertain significance (1 of 4 stars; one submission).

gnomAD v4.1: 4 of 1,584,014 alleles (0.00025%); highest among the groups gnomAD compares: East Asian, 0.0023%; no homozygotes.

Submission:

Labcorp Genetics (formerly Invitae), Labcorp
Classification: Uncertain significance. Last evaluated: 2025-10-26. Review status: criteria provided, single submitter. Criteria: Invitae Variant Classification Sherloc (09022015). Collection method: clinical testing. Allele origin: germline.
Comment: This sequence change replaces glycine, which is neutral and non-polar, with arginine, which is basic and polar, at codon 95 of the DLL3 protein (p.Gly95Arg). The frequency data for this variant in the population databases is considered unreliable, as metrics indicate poor data quality at this position in the gnomAD database. This variant has not been reported in the literature in individuals affected with DLL3-related conditions. An algorithm developed to predict the effect of missense changes on protein structure and function outputs the following: PolyPhen-2: "Benign". The arginine amino acid residue is found in multiple mammalian species, which suggests that this missense change does not adversely affect protein function. In summary, the available evidence is currently insufficient to determine the role of this variant in disease. Therefore, it has been classified as a Variant of Uncertain Significance.

NM_203486.3(DLL3):c.283G>A (p.Gly95Arg)

Gene: DLL3 (delta like canonical Notch ligand 3; plus strand). Cytogenetic location: 19q13.2.
Variant type: single nucleotide variant.
Coding change: c.283G>A on transcript NM_203486.3 (MANE Select); coding-DNA position 283, G replaced by A.
Protein change: p.Gly95Arg; replaces glycine 95 with arginine.
Molecular consequence: missense variant.
Genome position (GRCh38, 1-based): chr19:39,499,405, G>A. VCF-style: chr19-39499405-G-A. GRCh37 (hg19) VCF-style: chr19-39990045-G-A.
Other names: c.283G>A, p.Gly95Arg (NM_016941.4); short protein forms G95R.
Identifiers: ClinVar variation 4739303 (VCV004739303.1).